The following is an entry in ClinVar:

ClinVar aggregate classification (germline): Uncertain significance. Review status: criteria provided, multiple submitters, no conflicts (2 of 4 stars). 2 submissions from 2 submitters: Uncertain significance (2). Last evaluated 2025-12-18.

Allele frequency attached by ClinVar (database versions not stated): ExAC 0.00001; gnomAD exomes 0.00003; gnomAD 0.00008; TOPMed 0.00009.
gnomAD v4.1: 56 of 1,561,074 alleles (0.0036%); highest among the groups gnomAD compares: Middle Eastern, 0.034%; no homozygotes.

Submissions (2):

Labcorp Genetics (formerly Invitae), Labcorp
Classification: Uncertain significance. Last evaluated: 2025-12-18. Review status: criteria provided, single submitter. Criteria: Invitae Variant Classification Sherloc (09022015). Collection method: clinical testing. Allele origin: germline.
Comment: This sequence change replaces proline, which is neutral and non-polar, with leucine, which is neutral and non-polar, at codon 22 of the CEP89 protein (p.Pro22Leu). This variant is present in population databases (rs777663094, gnomAD 0.005%). This variant has not been reported in the literature in individuals affected with CEP89-related conditions. ClinVar contains an entry for this variant (Variation ID: 2162022). An algorithm developed to predict the effect of missense changes on protein structure and function (PolyPhen-2) suggests that this variant is likely to be disruptive. Algorithms developed to predict the effect of sequence changes on RNA splicing suggest that this variant may create or strengthen a splice site. In summary, the available evidence is currently insufficient to determine the role of this variant in disease. Therefore, it has been classified as a Variant of Uncertain Significance.

Ambry Genetics
Classification: Uncertain significance. Last evaluated: 2024-03-08. Review status: criteria provided, single submitter. Criteria: Ambry Variant Classification Scheme 2023. Collection method: clinical testing. Allele origin: germline.

NM_032816.5(CEP89):c.65C>T (p.Pro22Leu)

Gene: CEP89 (centrosomal protein 89; minus strand). Cytogenetic location: 19q13.11.
Variant type: single nucleotide variant.
Coding change: c.65C>T on transcript NM_032816.5 (MANE Select); coding-DNA position 65, C replaced by T.
Protein change: p.Pro22Leu; replaces proline 22 with leucine.
Molecular consequence: missense variant.
Genome position (GRCh38, 1-based): chr19:32,966,441, G>A on the plus strand (C>T on the coding strand, the complement: CEP89 is on the minus strand). VCF-style: chr19-32966441-G-A. GRCh37 (hg19) VCF-style: chr19-33457347-G-A.
Other names: c.65C>T (NM_032816.3); short protein forms P22L.
Identifiers: ClinVar variation 2162022 (VCV002162022.5), dbSNP rs777663094, ClinGen allele CA9359933.